The following is an entry in ClinVar:

NM_058179.4(PSAT1):c.916C>T (p.Arg306Cys)

Gene: PSAT1 (phosphoserine aminotransferase 1; plus strand). Cytogenetic location: 9q21.2.
Variant type: single nucleotide variant.
Coding change: c.916C>T on transcript NM_058179.4 (MANE Select); coding-DNA position 916, C replaced by T.
Protein change: p.Arg306Cys; replaces arginine 306 with cysteine.
Molecular consequence: missense variant. On other transcripts: intron variant (1).
Genome position (GRCh38, 1-based): chr9:78,328,097, C>T. VCF-style: chr9-78328097-C-T. GRCh37 (hg19) VCF-style: chr9-80943013-C-T.
Other names: c.870-884C>T (NM_021154.5); short protein forms R306C.
Identifiers: ClinVar variation 542039 (VCV000542039.19), dbSNP rs113824905, ClinGen allele CA5095766.

ClinVar aggregate classification (germline): Conflicting classifications of pathogenicity. Review status: criteria provided, conflicting classifications (1 of 4 stars). 4 submissions from 4 submitters: Uncertain significance (1); Likely benign (2). 1 of the submissions does not count toward it. Last evaluated 2025-09-13.

Conditions:
Neu-Laxova syndrome 2. Identifiers: Orphanet 2671, Orphanet 583602, MedGen C4015019, MONDO:0014466, OMIM 616038.
PSAT deficiency. Identifiers: Orphanet 284417, MedGen C1970253, MONDO:0012596, OMIM 610992.
PSAT1-related disorder. Also called: PSAT1-related disorders; PSAT1-related condition.

Allele frequency attached by ClinVar (database versions not stated): TOPMed 0.00020; gnomAD exomes 0.00022 and 0.00008; ExAC 0.00023; gnomAD 0.00011; ESP Exome Variant Server 0.00015; 1000 Genomes Project 30x 0.00016; 1000 Genomes Project 0.00020.
gnomAD v4.1: 135 of 1,611,124 alleles (0.0084%); highest among the groups gnomAD compares: East Asian, 0.18%; 1 homozygote.

Submissions (4):

PreventionGenetics, part of Exact Sciences
Classification: Likely benign for PSAT1-related condition. Last evaluated: 2025-09-13. Review status: criteria provided, single submitter. Criteria: ACMG Guidelines, 2015. Collection method: clinical testing. Allele origin: germline.
Comment: This variant is classified as likely benign based on ACMG/AMP sequence variant interpretation guidelines (Richards et al. 2015 PMID: 25741868, with internal and published modifications).

Labcorp Genetics (formerly Invitae), Labcorp
Classification: Likely benign for Neu-Laxova syndrome 2. Last evaluated: 2025-05-27. Review status: criteria provided, single submitter. Criteria: Invitae Variant Classification Sherloc (09022015). Collection method: clinical testing. Allele origin: germline.

Illumina Laboratory Services, Illumina
Classification: Uncertain significance for PSAT deficiency. Last evaluated: 2018-01-12. Review status: criteria provided, single submitter. Criteria: ICSL Variant Classification Criteria 13 December 2019. Collection method: clinical testing. Allele origin: germline.

Dudley Research Group, Pacific Northwest Research Institute
No classification provided. Review status: no classification provided. Collection method: research, in vivo. Allele origin: unknown, not applicable. Functional consequence: functionally_normal. Not counted in ClinVar's aggregate classification.